The following is an entry in ClinVar:

ClinVar aggregate classification (germline): Uncertain significance (1 of 4 stars; one submission).

Submission:

Labcorp Genetics (formerly Invitae), Labcorp
Classification: Uncertain significance. Last evaluated: 2025-08-11. Review status: criteria provided, single submitter. Criteria: Invitae Variant Classification Sherloc (09022015). Collection method: clinical testing. Allele origin: germline.
Comment: This sequence change replaces aspartic acid, which is acidic and polar, with glycine, which is neutral and non-polar, at codon 798 of the KCNQ5 protein (p.Asp798Gly). This variant is not present in population databases (gnomAD no frequency). This variant has not been reported in the literature in individuals affected with KCNQ5-related conditions. Invitae Evidence Modeling of protein sequence and biophysical properties (such as structural, functional, and spatial information, amino acid conservation, physicochemical variation, residue mobility, and thermodynamic stability) indicates that this missense variant is not expected to disrupt KCNQ5 protein function with a negative predictive value of 95%. In summary, the available evidence is currently insufficient to determine the role of this variant in disease. Therefore, it has been classified as a Variant of Uncertain Significance.

NM_019842.4(KCNQ5):c.2336A>G (p.Asp779Gly)

Gene: KCNQ5 (potassium voltage-gated channel subfamily Q member 5; plus strand). Cytogenetic location: 6q13.
Variant type: single nucleotide variant.
Coding change: c.2336A>G on transcript NM_019842.4 (MANE Select); coding-DNA position 2336, A replaced by G.
Protein change: p.Asp779Gly; replaces aspartic acid 779 with glycine.
Molecular consequence: missense variant.
Genome position (GRCh38, 1-based): chr6:73,194,951, A>G. VCF-style: chr6-73194951-A-G. GRCh37 (hg19) VCF-style: chr6-73904674-A-G.
Other names: c.2309A>G, p.Asp770Gly (NM_001160130.2); c.2366A>G, p.Asp789Gly (NM_001160132.2); c.2393A>G, p.Asp798Gly (NM_001160133.2); c.2006A>G, p.Asp669Gly (NM_001160134.2); short protein forms D669G, D770G, D779G, D789G, D798G.
Identifiers: ClinVar variation 4801380 (VCV004801380.1).